The following is an entry in ClinVar:

NM_001365999.1(SZT2):c.406T>C (p.Phe136Leu)

Gene: SZT2 (SZT2 subunit of KICSTOR complex; plus strand). Cytogenetic location: 1p34.2.
Variant type: single nucleotide variant.
Coding change: c.406T>C on transcript NM_001365999.1 (MANE Select); coding-DNA position 406, T replaced by C.
Protein change: p.Phe136Leu; replaces phenylalanine 136 with leucine.
Molecular consequence: missense variant.
Genome position (GRCh38, 1-based): chr1:43,404,458, T>C. VCF-style: chr1-43404458-T-C. GRCh37 (hg19) VCF-style: chr1-43870129-T-C.
Other names: c.406T>C, p.Phe136Leu (NM_015284.4); short protein forms F136L.
Identifiers: ClinVar variation 1016461 (VCV001016461.6), dbSNP rs750341206, ClinGen allele CA808163.

ClinVar aggregate classification (germline): Uncertain significance (1 of 4 stars; one submission).

Allele frequency attached by ClinVar (database versions not stated): ExAC 0.00001; gnomAD 0.00001; gnomAD exomes 0.00001; TOPMed 0.00002.

Submission:

Labcorp Genetics (formerly Invitae), Labcorp
Classification: Uncertain significance. Last evaluated: 2024-02-05. Review status: criteria provided, single submitter. Criteria: Invitae Variant Classification Sherloc (09022015). Collection method: clinical testing. Allele origin: germline.
Comment: This sequence change replaces phenylalanine, which is neutral and non-polar, with leucine, which is neutral and non-polar, at codon 136 of the SZT2 protein (p.Phe136Leu). This variant is present in population databases (rs750341206, gnomAD 0.002%). This variant has not been reported in the literature in individuals affected with SZT2-related conditions. ClinVar contains an entry for this variant (Variation ID: 1016461). Advanced modeling of protein sequence and biophysical properties (such as structural, functional, and spatial information, amino acid conservation, physicochemical variation, residue mobility, and thermodynamic stability) performed at Invitae indicates that this missense variant is not expected to disrupt SZT2 protein function with a negative predictive value of 80%. In summary, the available evidence is currently insufficient to determine the role of this variant in disease. Therefore, it has been classified as a Variant of Uncertain Significance.